The following is an entry in ClinVar:

NM_032242.4(PLXNA1):c.5136G>A (p.Pro1712=)

Gene: PLXNA1 (plexin A1; plus strand). Cytogenetic location: 3q21.3.
Variant type: single nucleotide variant.
Coding change: c.5136G>A on transcript NM_032242.4 (MANE Select); coding-DNA position 5136, G replaced by A.
Protein change: p.Pro1712=; no amino-acid change (proline 1712 retained).
Molecular consequence: synonymous variant.
Genome position (GRCh38, 1-based): chr3:127,030,317, G>A. VCF-style: chr3-127030317-G-A. GRCh37 (hg19) VCF-style: chr3-126749160-G-A.
Other names: c.5136G>A (NM_032242.3).
Identifiers: ClinVar variation 1652102 (VCV001652102.10), dbSNP rs377038275, ClinGen allele CA2594626.

ClinVar aggregate classification (germline): Likely benign. Review status: criteria provided, multiple submitters, no conflicts (2 of 4 stars). 3 submissions from 3 submitters: Likely benign (3). Last evaluated 2026-07-01.

Conditions:
PLXNA1-related disorder. Also called: PLXNA1-related condition.

Allele frequency attached by ClinVar (database versions not stated): 1000 Genomes Project 30x 0.00016; gnomAD exomes 0.00016 and 0.00041; gnomAD 0.00021 and 0.00022; 1000 Genomes Project 0.00020; ExAC 0.00020; TOPMed 0.00026; ESP Exome Variant Server 0.00031.
gnomAD v4.1: 629 of 1,613,986 alleles (0.039%); highest among the groups gnomAD compares: Non-Finnish European, 0.05%; 1 homozygote.

Submissions (3):

CeGaT Center for Human Genetics Tuebingen
Classification: Likely benign. Last evaluated: 2026-07-01. Review status: criteria provided, single submitter. Criteria: CeGaT Center For Human Genetics Tuebingen Variant Classification Criteria Version 2. Collection method: clinical testing. Allele origin: germline. Affected: yes. Observed: 1 variant allele.
Comment: PLXNA1: BP4, BP7

PreventionGenetics, part of Exact Sciences
Classification: Likely benign for PLXNA1-related condition. Last evaluated: 2024-12-23. Review status: criteria provided, single submitter. Criteria: ACMG Guidelines, 2015. Collection method: clinical testing. Allele origin: germline.
Comment: This variant is classified as likely benign based on ACMG/AMP sequence variant interpretation guidelines (Richards et al. 2015 PMID: 25741868, with internal and published modifications).

Labcorp Genetics (formerly Invitae), Labcorp
Classification: Likely benign. Last evaluated: 2023-11-17. Review status: criteria provided, single submitter. Criteria: Invitae Variant Classification Sherloc (09022015). Collection method: clinical testing. Allele origin: germline.